The following is an entry in ClinVar:

NM_001849.4(COL6A2):c.790C>G (p.Arg264Gly)

Gene: COL6A2 (collagen type VI alpha 2 chain; plus strand). Cytogenetic location: 21q22.3.
Variant type: single nucleotide variant.
Coding change: c.790C>G on transcript NM_001849.4 (MANE Select); coding-DNA position 790, C replaced by G.
Protein change: p.Arg264Gly; replaces arginine 264 with glycine.
Molecular consequence: missense variant.
Genome position (GRCh38, 1-based): chr21:46,114,062, C>G. VCF-style: chr21-46114062-C-G. GRCh37 (hg19) VCF-style: chr21-47533976-C-G.
Other names: c.790C>G, p.Arg264Gly (NM_058174.3, NM_058175.3); short protein forms R264G.
Identifiers: ClinVar variation 4616296 (VCV004616296.1).

ClinVar aggregate classification (germline): Uncertain significance (1 of 4 stars; one submission).

Conditions:
Inborn genetic diseases. Identifiers: MedGen C0950123, MeSH D030342.

Submission:

Ambry Genetics
Classification: Uncertain significance for Inborn genetic diseases. Last evaluated: 2025-11-19. Review status: criteria provided, single submitter. Criteria: Ambry Variant Classification Scheme 2023. Collection method: clinical testing. Allele origin: germline.
Comment: The c.790C>G (p.R264G) alteration is located in exon 5 (coding exon 4) of the COL6A2 gene. This alteration results from a C to G substitution at nucleotide position 790, causing the arginine (R) at amino acid position 264 to be replaced by a glycine (G). This variant was not reported in population-based cohorts in the Genome Aggregation Database (gnomAD). This amino acid position is highly conserved in available vertebrate species. This alteration is predicted to be deleterious by in silico analysis. Based on insufficient or conflicting evidence, the clinical significance of this alteration remains unclear.